The following is an entry in ClinVar:

ClinVar aggregate classification (germline): Uncertain significance (1 of 4 stars; one submission).

Allele frequency attached by ClinVar (database versions not stated): ExAC 0.00002; gnomAD 0.00005; TOPMed 0.00005; ESP Exome Variant Server 0.00008.
gnomAD v4.1: 18 of 1,613,762 alleles (0.0011%); highest among the groups gnomAD compares: African/African-American, 0.023%; no homozygotes.

Submission:

Labcorp Genetics (formerly Invitae), Labcorp
Classification: Uncertain significance. Last evaluated: 2024-08-12. Review status: criteria provided, single submitter. Criteria: Invitae Variant Classification Sherloc (09022015). Collection method: clinical testing. Allele origin: germline.
Comment: This sequence change replaces proline, which is neutral and non-polar, with threonine, which is neutral and polar, at codon 627 of the ZNF687 protein (p.Pro627Thr). This variant is present in population databases (rs375838898, gnomAD 0.02%). This variant has not been reported in the literature in individuals affected with ZNF687-related conditions. ClinVar contains an entry for this variant (Variation ID: 2188989). An algorithm developed to predict the effect of missense changes on protein structure and function outputs the following: PolyPhen-2: "Benign". The threonine amino acid residue is found in multiple mammalian species, which suggests that this missense change does not adversely affect protein function. In summary, the available evidence is currently insufficient to determine the role of this variant in disease. Therefore, it has been classified as a Variant of Uncertain Significance.

NM_020832.3(ZNF687):c.1879C>A (p.Pro627Thr)

Gene: ZNF687 (zinc finger protein 687; plus strand). Cytogenetic location: 1q21.3.
Variant type: single nucleotide variant.
Coding change: c.1879C>A on transcript NM_020832.3 (MANE Select); coding-DNA position 1879, C replaced by A.
Protein change: p.Pro627Thr; replaces proline 627 with threonine.
Molecular consequence: missense variant.
Genome position (GRCh38, 1-based): chr1:151,288,170, C>A. VCF-style: chr1-151288170-C-A. GRCh37 (hg19) VCF-style: chr1-151260646-C-A.
Other names: c.1879C>A, p.Pro627Thr (NM_001304763.2, NM_001304764.2); short protein forms P627T.
Identifiers: ClinVar variation 2188989 (VCV002188989.4), dbSNP rs375838898, ClinGen allele CA1088407.